The following is an entry in ClinVar:

ClinVar aggregate classification (germline): Conflicting classifications of pathogenicity. Review status: criteria provided, conflicting classifications (1 of 4 stars). 2 submissions from 2 submitters: Uncertain significance (1); Likely benign (1). Last evaluated 2026-01-01.

Allele frequency attached by ClinVar (database versions not stated): 1000 Genomes Project 0.00060; TOPMed 0.00093; 1000 Genomes Project 30x 0.00094; gnomAD 0.00098; ESP Exome Variant Server 0.00123.
gnomAD v4.1: 2,509 of 1,614,238 alleles (0.16%); highest among the groups gnomAD compares: Non-Finnish European, 0.19%; 2 homozygotes.

Submissions (2):

CeGaT Center for Human Genetics Tuebingen
Classification: Likely benign. Last evaluated: 2026-01-01. Review status: criteria provided, single submitter. Criteria: CeGaT Center For Human Genetics Tuebingen Variant Classification Criteria Version 2. Collection method: clinical testing. Allele origin: germline. Affected: yes. Observed: 3 variant alleles.
Comment: FAT2: BP4, BS1

Labcorp Genetics (formerly Invitae), Labcorp
Classification: Uncertain significance. Last evaluated: 2025-04-14. Review status: criteria provided, single submitter. Criteria: Invitae Variant Classification Sherloc (09022015). Collection method: clinical testing. Allele origin: germline.
Comment: This sequence change replaces leucine, which is neutral and non-polar, with methionine, which is neutral and non-polar, at codon 1159 of the FAT2 protein (p.Leu1159Met). This variant is present in population databases (rs138553789, gnomAD 0.2%), and has an allele count higher than expected for a pathogenic variant. This variant has not been reported in the literature in individuals affected with FAT2-related conditions. ClinVar contains an entry for this variant (Variation ID: 2038396). Invitae Evidence Modeling of protein sequence and biophysical properties (such as structural, functional, and spatial information, amino acid conservation, physicochemical variation, residue mobility, and thermodynamic stability) indicates that this missense variant is not expected to disrupt FAT2 protein function with a negative predictive value of 80%. In summary, the available evidence is currently insufficient to determine the role of this variant in disease. Therefore, it has been classified as a Variant of Uncertain Significance.

NM_001447.3(FAT2):c.3475C>A (p.Leu1159Met)

Gene: FAT2 (FAT atypical cadherin 2; minus strand). Cytogenetic location: 5q33.1.
Variant type: single nucleotide variant.
Coding change: c.3475C>A on transcript NM_001447.3 (MANE Select); coding-DNA position 3475, C replaced by A.
Protein change: p.Leu1159Met; replaces leucine 1159 with methionine.
Molecular consequence: missense variant.
Genome position (GRCh38, 1-based): chr5:151,563,424, G>T on the plus strand (C>A on the coding strand, the complement: FAT2 is on the minus strand). VCF-style: chr5-151563424-G-T. GRCh37 (hg19) VCF-style: chr5-150942985-G-T.
Other names: short protein forms L1159M.
Identifiers: ClinVar variation 2038396 (VCV002038396.25), dbSNP rs138553789, ClinGen allele CA3521825.
Genomic context (GRCh38, chr5:151,563,424, plus strand): 5'-CACTGGTGATGTTGAAGGTCAGCTTCCCTTTGGAGCTGGAGTCTGGGTCCCAGGCATCCA[G>T]TTGAAGCACAGAGGTGCCCACGGGAGCATCCTCCTGGATGGAGGGGTAGAACACAGCTTG-3'
Protein context (NP_001438.1, residues 1149-1169): DAPVGTSVLQ[Leu1159Met]DAWDPDSSSK